The following is an entry in ClinVar:

NM_001267550.2(TTN):c.82837G>T (p.Ala27613Ser)

Genes: TTN (titin; minus strand), TTN-AS1 (TTN antisense RNA 1; plus strand). Cytogenetic location: 2q31.2.
Variant type: single nucleotide variant.
Coding change: c.82837G>T on transcript NM_001267550.2 (MANE Select); coding-DNA position 82837, G replaced by T.
Protein change: p.Ala27613Ser; replaces alanine 27613 with serine.
Molecular consequence: missense variant.
Genome position (GRCh38, 1-based): chr2:178,563,295, C>A on the plus strand (G>T on the coding strand, the complement: TTN is on the minus strand). VCF-style: chr2-178563295-C-A. GRCh37 (hg19) VCF-style: chr2-179428022-C-A.
Other names: c.77914G>T, p.Ala25972Ser (NM_001256850.1); c.55642G>T, p.Ala18548Ser (NM_003319.4); c.75133G>T, p.Ala25045Ser (NM_133378.4); c.56017G>T, p.Ala18673Ser (NM_133432.3); c.56218G>T, p.Ala18740Ser (NM_133437.4); short protein forms A18548S, A18673S, A18740S, A25045S, A25972S, A27613S.
Identifiers: ClinVar variation 2651603 (VCV002651603.24), dbSNP rs2468157406, ClinGen allele CA349571192.

ClinVar aggregate classification (germline): Uncertain significance (1 of 4 stars; one submission).

Allele frequency attached by ClinVar (database versions not stated): gnomAD exomes 0.00001.
gnomAD v4.1: 9 of 1,613,690 alleles (0.00056%); highest among the groups gnomAD compares: Non-Finnish European, 0.00076%; no homozygotes.

Submission:

CeGaT Center for Human Genetics Tuebingen
Classification: Uncertain significance. Last evaluated: 2022-08-01. Review status: criteria provided, single submitter. Criteria: CeGaT Center For Human Genetics Tuebingen Variant Classification Criteria Version 2. Collection method: clinical testing. Allele origin: germline. Affected: yes. Observed: 1 variant allele.
Comment: TTN: PM2, BP4